The following is an entry in ClinVar:

NM_003738.5(PTCH2):c.1402G>A (p.Val468Met)

Gene: PTCH2 (patched 2; minus strand). Cytogenetic location: 1p34.1.
Variant type: single nucleotide variant.
Coding change: c.1402G>A on transcript NM_003738.5 (MANE Select); coding-DNA position 1402, G replaced by A.
Protein change: p.Val468Met; replaces valine 468 with methionine.
Molecular consequence: missense variant.
Genome position (GRCh38, 1-based): chr1:44,829,044, C>T on the plus strand (G>A on the coding strand, the complement: PTCH2 is on the minus strand). VCF-style: chr1-44829044-C-T. GRCh37 (hg19) VCF-style: chr1-45294716-C-T.
Other names: c.1402G>A (NM_003738.4); c.1402G>A, p.Val468Met (NM_001166292.2); short protein forms V468M.
Identifiers: ClinVar variation 2917722 (VCV002917722.4), dbSNP rs762951960, ClinGen allele CA823318.
Genomic context (GRCh38, chr1:44,829,044, plus strand): 5'-GGAGAGGGGTGCCAGGCAGAGCCTCTGTGAAGGCATGCGCCAGCAGGAATACGTCATCCA[C>T]GCCGATTCCCAGAGCCAAGAAGGGCAGCACCTGGAGGGGCAGAGGAGCGGGCAGCTGAGG-3'
Protein context (NP_003729.3, residues 458-478): VLPFLALGIG[Val468Met]DDVFLLAHAF

ClinVar aggregate classification (germline): Uncertain significance. Review status: criteria provided, multiple submitters, no conflicts (2 of 4 stars). 2 submissions from 2 submitters: Uncertain significance (2). Last evaluated 2024-11-06.

Conditions:
PTCH2-related disorder. Also called: PTCH2-related condition; PTCH2-related disease.
Gorlin syndrome. Also called: Basal cell nevus syndrome; Nevoid Basal Cell Carcinoma Syndrome. Identifiers: Orphanet 377, MedGen C0004779, MONDO:0007187.

Allele frequency attached by ClinVar (database versions not stated): gnomAD 0.00001; ExAC 0.00005.
gnomAD v4.1: 30 of 1,600,656 alleles (0.0019%); highest among the groups gnomAD compares: Non-Finnish European, 0.0025%; no homozygotes.

Submissions (2):

PreventionGenetics, part of Exact Sciences
Classification: Uncertain significance for PTCH2-related condition. Last evaluated: 2024-11-06. Review status: criteria provided, single submitter. Criteria: ACMG Guidelines, 2015. Collection method: clinical testing. Allele origin: germline.
Comment: The PTCH2 c.1402G>A variant is predicted to result in the amino acid substitution p.Val468Met. To our knowledge, this variant has not been reported in the literature. This variant is reported in 0.0040% of alleles in individuals of European (Non-Finnish) descent in gnomAD. At this time, the clinical significance of this variant is uncertain due to the absence of conclusive functional and genetic evidence.

Labcorp Genetics (formerly Invitae), Labcorp
Classification: Uncertain significance for Gorlin syndrome. Last evaluated: 2024-04-23. Review status: criteria provided, single submitter. Criteria: Invitae Variant Classification Sherloc (09022015). Collection method: clinical testing. Allele origin: germline.
Comment: This sequence change replaces valine, which is neutral and non-polar, with methionine, which is neutral and non-polar, at codon 468 of the PTCH2 protein (p.Val468Met). This variant is present in population databases (rs762951960, gnomAD 0.004%). This variant has not been reported in the literature in individuals affected with PTCH2-related conditions. Advanced modeling of protein sequence and biophysical properties (such as structural, functional, and spatial information, amino acid conservation, physicochemical variation, residue mobility, and thermodynamic stability) performed at Invitae indicates that this missense variant is not expected to disrupt PTCH2 protein function with a negative predictive value of 80%. In summary, the available evidence is currently insufficient to determine the role of this variant in disease. Therefore, it has been classified as a Variant of Uncertain Significance.